The following is an entry in ClinVar:

NM_005228.5(EGFR):c.2289C>G (p.Ala763=)

Genes: EGFR (epidermal growth factor receptor; plus strand), EGFR-AS1 (EGFR antisense RNA 1; minus strand). Cytogenetic location: 7p11.2.
Variant type: single nucleotide variant.
Coding change: c.2289C>G on transcript NM_005228.5 (MANE Select); coding-DNA position 2289, C replaced by G.
Protein change: p.Ala763=; no amino-acid change (alanine 763 retained).
Molecular consequence: synonymous variant. On other transcripts: non-coding transcript variant (1).
Genome position (GRCh38, 1-based): chr7:55,181,298, C>G. VCF-style: chr7-55181298-C-G. GRCh37 (hg19) VCF-style: chr7-55248991-C-G.
Other names: c.2154C>G, p.Ala718= (NM_001346897.2, NM_001346899.2); c.2289C>G, p.Ala763= (NM_001346898.2); c.2130C>G, p.Ala710= (NM_001346900.2); c.1488C>G, p.Ala496= (NM_001346941.2); c.2289C>G (NM_005228.4).
Identifiers: ClinVar variation 45249 (VCV000045249.22), dbSNP rs117420095, ClinGen allele CA135834.
Genomic context (GRCh38, chr7:55,181,298, plus strand): 5'-CCCTCCTTCTGGCCACCATGCGAAGCCACACTGACGTGCCTCTCCCTCCCTCCAGGAAGC[C>G]TACGTGATGGCCAGCGTGGACAACCCCCACGTGTGCCGCCTGCTGGGCATCTGCCTCACC-3'
Protein context (NP_005219.2, residues 753-773): PKANKEILDE[Ala763=]YVMASVDNPH

ClinVar aggregate classification (germline): Benign/Likely benign. Review status: criteria provided, multiple submitters, no conflicts (2 of 4 stars). 8 submissions from 8 submitters: Benign (3); Likely benign (4). 1 of the submissions does not count toward it. Last evaluated 2026-02-03.

Conditions:
Lung cancer. Also called: Lung cancer, somatic; Malignant tumor of lung. Identifiers: MedGen C0242379, MONDO:0008903, OMIM 211980.
EGFR-related disorder. Also called: EGFR-related condition.
Hereditary cancer-predisposing syndrome. Also called: Tumor predisposition; Neoplastic Syndromes, Hereditary; Hereditary neoplastic syndrome; Hereditary Cancer Syndrome. Identifiers: Orphanet 140162, MedGen C0027672, MeSH D009386, MONDO:0015356.
EGFR-related lung cancer (EGFR). Identifiers: MedGen CN130014.

Allele frequency attached by ClinVar (database versions not stated): ExAC 0.00036; gnomAD exomes 0.00045 and 0.00082; TOPMed 0.00045; ESP Exome Variant Server 0.00046; gnomAD 0.00046 and 0.00048; 1000 Genomes Project 30x 0.00047; 1000 Genomes Project 0.00060.
gnomAD v4.1: 1,274 of 1,614,186 alleles (0.079%); highest among the groups gnomAD compares: Non-Finnish European, 0.099%; no homozygotes.

Submissions (8):

Labcorp Genetics (formerly Invitae), Labcorp
Classification: Benign for EGFR-related lung cancer. Last evaluated: 2026-02-03. Review status: criteria provided, single submitter. Criteria: Invitae Variant Classification Sherloc (09022015). Collection method: clinical testing. Allele origin: germline.

Blueprint Genetics
Classification: Likely benign. Last evaluated: 2024-11-18. Review status: criteria provided, single submitter. Criteria: ACMG Guidelines, 2015. Collection method: clinical testing. Allele origin: germline.

Myriad Genetics, Inc.
Classification: Benign for Lung cancer. Last evaluated: 2024-10-16. Review status: criteria provided, single submitter. Criteria: Myriad Autosomal Dominant, Autosomal Recessive and X-Linked Classification Criteria (2023). Collection method: clinical testing. Allele origin: unknown.
Comment: This variant is considered benign. This variant is a silent/synonymous amino acid change and it is not expected to impact splicing.

Ambry Genetics
Classification: Likely benign for Hereditary cancer-predisposing syndrome. Last evaluated: 2023-12-14. Review status: criteria provided, single submitter. Criteria: Ambry Variant Classification Scheme 2023. Collection method: clinical testing. Allele origin: germline.

Quest Diagnostics Nichols Institute San Juan Capistrano
Classification: Benign. Last evaluated: 2022-04-28. Review status: criteria provided, single submitter. Criteria: Quest Diagnostics criteria. Collection method: clinical testing. Allele origin: unknown.

Sema4
Classification: Likely benign for Hereditary cancer-predisposing syndrome. Last evaluated: 2020-11-30. Review status: criteria provided, single submitter. Criteria: Sema4 Curation Guidelines. Collection method: curation. Allele origin: germline.

Laboratory for Molecular Medicine, Mass General Brigham Personalized Medicine
Classification: Likely benign. Last evaluated: 2010-02-22. Review status: criteria provided, single submitter. Criteria: LMM Criteria. Collection method: clinical testing. Allele origin: somatic. Observed: 1 variant allele.

PreventionGenetics, part of Exact Sciences
Classification: Likely benign for EGFR-related condition. Last evaluated: 2019-09-18. Review status: no assertion criteria provided. Collection method: clinical testing. Allele origin: germline. Not counted in ClinVar's aggregate classification.
Comment: This variant is classified as likely benign based on ACMG/AMP sequence variant interpretation guidelines (Richards et al. 2015 PMID: 25741868, with internal and published modifications).

Literature cited by the submitters: PubMed 16467080 (cited by Quest Diagnostics Nichols Institute San Juan Capistrano and Laboratory for Molecular Medicine, Mass General Brigham Personalized Medicine); PubMed 18495026 (cited by Laboratory for Molecular Medicine, Mass General Brigham Personalized Medicine).